The following is an entry in ClinVar:

NM_018958.3(NPAP1):c.969C>A (p.Asn323Lys)

Gene: NPAP1 (nuclear pore associated protein 1; plus strand). Cytogenetic location: 15q11.2.
Variant type: single nucleotide variant.
Coding change: c.969C>A on transcript NM_018958.3 (MANE Select); coding-DNA position 969, C replaced by A.
Protein change: p.Asn323Lys; replaces asparagine 323 with lysine.
Molecular consequence: missense variant.
Genome position (GRCh38, 1-based): chr15:24,676,836, C>A. VCF-style: chr15-24676836-C-A. GRCh37 (hg19) VCF-style: chr15-24921983-C-A.
Other names: short protein forms N323K.
Identifiers: ClinVar variation 746550 (VCV000746550.5), dbSNP rs77489713, ClinGen allele CA7430638.

ClinVar aggregate classification (germline): Conflicting classifications of pathogenicity. Review status: criteria provided, conflicting classifications (1 of 4 stars). 3 submissions from 3 submitters: Uncertain significance (1); Likely benign (2). Last evaluated 2026-08-01.

Allele frequency attached by ClinVar (database versions not stated): ExAC 0.00038; gnomAD exomes 0.00039; gnomAD 0.00133 and 0.00141; ESP Exome Variant Server 0.00154; 1000 Genomes Project 0.00160; TOPMed 0.00164; 1000 Genomes Project 30x 0.00172.
gnomAD v4.1: 504 of 1,613,100 alleles (0.031%); highest among the groups gnomAD compares: African/African-American, 0.52%; no homozygotes.

Submissions (3):

CeGaT Center for Human Genetics Tuebingen
Classification: Likely benign. Last evaluated: 2026-08-01. Review status: criteria provided, single submitter. Criteria: CeGaT Center For Human Genetics Tuebingen Variant Classification Criteria Version 2. Collection method: clinical testing. Allele origin: germline. Affected: yes. Observed: 1 variant allele.
Comment: NPAP1: BP4, BS2

Ambry Genetics
Classification: Uncertain significance. Last evaluated: 2025-08-01. Review status: criteria provided, single submitter. Criteria: Ambry Variant Classification Scheme 2023. Collection method: clinical testing. Allele origin: germline.

Labcorp Genetics (formerly Invitae), Labcorp
Classification: Likely benign. Last evaluated: 2018-03-30. Review status: criteria provided, single submitter. Criteria: Invitae Variant Classification Sherloc (09022015). Collection method: clinical testing. Allele origin: germline.